The following is an entry in ClinVar:

ClinVar aggregate classification (germline): Uncertain significance (1 of 4 stars; one submission).

Conditions:
Cardiovascular phenotype. Identifiers: MedGen CN230736.

Submission:

Ambry Genetics
Classification: Uncertain significance for Cardiovascular phenotype. Last evaluated: 2023-07-31. Review status: criteria provided, single submitter. Criteria: Ambry Variant Classification Scheme 2023. Collection method: clinical testing. Allele origin: germline.
Comment: The p.S309G variant (also known as c.925A>G), located in coding exon 7 of the PRKAG2 gene, results from an A to G substitution at nucleotide position 925. The serine at codon 309 is replaced by glycine, an amino acid with similar properties. This amino acid position is conserved. In addition, the in silico prediction for this alteration is inconclusive. Since supporting evidence is limited at this time, the clinical significance of this alteration remains unclear.

NM_016203.4(PRKAG2):c.925A>G (p.Ser309Gly)

Gene: PRKAG2 (protein kinase AMP-activated non-catalytic subunit gamma 2; minus strand). Cytogenetic location: 7q36.1.
Variant type: single nucleotide variant.
Coding change: c.925A>G on transcript NM_016203.4 (MANE Select); coding-DNA position 925, A replaced by G.
Protein change: p.Ser309Gly; replaces serine 309 with glycine.
Molecular consequence: missense variant.
Genome position (GRCh38, 1-based): chr7:151,576,392, T>C on the plus strand (A>G on the coding strand, the complement: PRKAG2 is on the minus strand). VCF-style: chr7-151576392-T-C. GRCh37 (hg19) VCF-style: chr7-151273478-T-C.
Other names: c.793A>G, p.Ser265Gly (NM_001040633.2, NM_001407024.1); c.550A>G, p.Ser184Gly (NM_001304527.2, NM_001407029.1); c.202A>G, p.Ser68Gly (NM_001304531.2, NM_001407034.1, NM_001407035.1 and 1 more transcripts); c.553A>G, p.Ser185Gly (NM_001363698.2, NM_001407028.1); c.925A>G, p.Ser309Gly (NM_001407021.1); c.922A>G, p.Ser308Gly (NM_001407022.1, NM_001407023.1); c.790A>G, p.Ser264Gly (NM_001407026.1, NM_001407027.1); c.637A>G, p.Ser213Gly (NM_001407030.1); and 6 more; short protein forms S201G, S213G, S265G, S67G, S88G, S203G, S309G, S212G.
Identifiers: ClinVar variation 2587189 (VCV002587189.2), dbSNP rs2536412972, ClinGen allele CA370072410.